The following is an entry in ClinVar:

ClinVar aggregate classification (germline): Uncertain significance (1 of 4 stars; one submission).

Submission:

Labcorp Genetics (formerly Invitae), Labcorp
Classification: Uncertain significance. Last evaluated: 2024-04-15. Review status: criteria provided, single submitter. Criteria: Invitae Variant Classification Sherloc (09022015). Collection method: clinical testing. Allele origin: germline.
Comment: This sequence change replaces asparagine, which is neutral and polar, with aspartic acid, which is acidic and polar, at codon 1155 of the LRP2 protein (p.Asn1155Asp). This variant is not present in population databases (gnomAD no frequency). This variant has not been reported in the literature in individuals affected with LRP2-related conditions. ClinVar contains an entry for this variant (Variation ID: 1901584). Advanced modeling of protein sequence and biophysical properties (such as structural, functional, and spatial information, amino acid conservation, physicochemical variation, residue mobility, and thermodynamic stability) performed at Invitae indicates that this missense variant is not expected to disrupt LRP2 protein function with a negative predictive value of 95%. In summary, the available evidence is currently insufficient to determine the role of this variant in disease. Therefore, it has been classified as a Variant of Uncertain Significance.

NM_004525.3(LRP2):c.3463A>G (p.Asn1155Asp)

Gene: LRP2 (LDL receptor related protein 2; minus strand). Cytogenetic location: 2q31.1.
Variant type: single nucleotide variant.
Coding change: c.3463A>G on transcript NM_004525.3 (MANE Select); coding-DNA position 3463, A replaced by G.
Protein change: p.Asn1155Asp; replaces asparagine 1155 with aspartic acid.
Molecular consequence: missense variant.
Genome position (GRCh38, 1-based): chr2:169,243,490, T>C on the plus strand (A>G on the coding strand, the complement: LRP2 is on the minus strand). VCF-style: chr2-169243490-T-C. GRCh37 (hg19) VCF-style: chr2-170100000-T-C.
Other names: short protein forms N1155D.
Identifiers: ClinVar variation 1901584 (VCV001901584.4), dbSNP rs2528384625, ClinGen allele CA349150435.
Genomic context (GRCh38, chr2:169,243,490, plus strand): 5'-CACAATCCTTGTCACCATCACAGACAAACGATAGGTCAATACATCGATGATTGGGGCAAT[T>C]AAACTGACTAGGTTGGCATGTCTCTGTCGAATCTAATGTCATCCGAAAACAAAACCAACA-3'
Protein context (NP_004516.2, residues 1145-1165): STETCQPSQF[Asn1155Asp]CPNHRCIDLS